The following is an entry in ClinVar:

NM_019892.6(INPP5E):c.470G>C (p.Gly157Ala)

Gene: INPP5E (inositol polyphosphate-5-phosphatase E; minus strand). Cytogenetic location: 9q34.3.
Variant type: single nucleotide variant.
Coding change: c.470G>C on transcript NM_019892.6 (MANE Select); coding-DNA position 470, G replaced by C.
Protein change: p.Gly157Ala; replaces glycine 157 with alanine.
Molecular consequence: missense variant.
Genome position (GRCh38, 1-based): chr9:136,438,950, C>G on the plus strand (G>C on the coding strand, the complement: INPP5E is on the minus strand). VCF-style: chr9-136438950-C-G. GRCh37 (hg19) VCF-style: chr9-139333402-C-G.
Other names: c.470G>C, p.Gly157Ala (NM_001318502.2); short protein forms G157A.
Identifiers: ClinVar variation 3350113 (VCV003350113.1).

ClinVar aggregate classification (germline): Uncertain significance (0 of 4 stars; one submission).

Conditions:
INPP5E-related disorder. Also called: INPP5E-related condition.

gnomAD v4.1: 2 of 1,569,546 alleles (0.00013%); highest among the groups gnomAD compares: East Asian, 0.0023%; no homozygotes.

Submission:

PreventionGenetics, part of Exact Sciences
Classification: Uncertain significance for INPP5E-related condition. Last evaluated: 2024-01-18. Review status: no assertion criteria provided. Collection method: clinical testing. Allele origin: germline.
Comment: The INPP5E c.470G>C variant is predicted to result in the amino acid substitution p.Gly157Ala. To our knowledge, this variant has not been reported in the literature or in a large population database, indicating this variant is rare. At this time, the clinical significance of this variant is uncertain due to the absence of conclusive functional and genetic evidence.